The following is an entry in ClinVar:

NM_007126.5(VCP):c.794T>C (p.Phe265Ser)

Gene: VCP (valosin containing protein; minus strand). Cytogenetic location: 9p13.3.
Variant type: single nucleotide variant.
Coding change: c.794T>C on transcript NM_007126.5 (MANE Select); coding-DNA position 794, T replaced by C.
Protein change: p.Phe265Ser; replaces phenylalanine 265 with serine.
Molecular consequence: missense variant.
Genome position (GRCh38, 1-based): chr9:35,062,995, A>G on the plus strand (T>C on the coding strand, the complement: VCP is on the minus strand). VCF-style: chr9-35062995-A-G. GRCh37 (hg19) VCF-style: chr9-35062992-A-G.
Other names: c.659T>C, p.Phe220Ser (NM_001354927.2, NM_001354928.2); short protein forms F265S, F220S.
Identifiers: ClinVar variation 913794 (VCV000913794.5), dbSNP rs1828756507, ClinGen allele CA373286351.
Genomic context (GRCh38, chr9:35,062,995, plus strand): 5'-AAAATTGGGTCTAGCTAGACATAAGATGAACCAAATATCTCACCATTGATCAAGAAGAAG[A>G]AGGCTCCAGTCTCATTTGCTACAGCTCGAGCAATCAGGGTCTTTCCTGTTCCAGGAGGTC-3'
Protein context (NP_009057.1, residues 255-275): ARAVANETGA[Phe265Ser]FFLINGPEIM

ClinVar aggregate classification (germline): Conflicting classifications of pathogenicity. Review status: criteria provided, conflicting classifications (1 of 4 stars). 3 submissions from 2 submitters: Likely pathogenic (1); Uncertain significance (2). Last evaluated 2024-04-16.

Conditions:
Frontotemporal dementia and/or amyotrophic lateral sclerosis 6 (FTDALS6). Also called: VCP-Related Amyotrophic Lateral Sclerosis; VCP-Related Amyotrophic Lateral Sclerosis/Frontotemporal Dementia. Identifiers: Orphanet 275872, Orphanet 803, MedGen C5436279, MONDO:0013501, OMIM 613954.
Inclusion body myopathy with Paget disease of bone and frontotemporal dementia type 1. Also called: Inclusion body myopathy with early-onset Paget disease with or without frontotemporal dementia 1; MULTISYSTEM PROTEINOPATHY 1; Inclusion body myopathy with early-onset Paget disease and frontotemporal dementia 1. Identifiers: MedGen C4551951, MONDO:0008178, OMIM 167320.

Submissions (3):

GeneDx
Classification: Likely pathogenic. Last evaluated: 2024-04-16. Review status: criteria provided, single submitter. Criteria: GeneDx Variant Classification Process June 2021. Collection method: clinical testing. Allele origin: germline. Affected: yes.
Comment: De novo variant with confirmed parentage in a patient with a developmental disorder (PMID: 33057194); Not observed at significant frequency in large population cohorts (gnomAD); In silico analysis supports that this missense variant has a deleterious effect on protein structure/function; This variant is associated with the following publications: (PMID: 35982159, 33057194)

Illumina Laboratory Services, Illumina
Classification: Uncertain significance for Inclusion body myopathy with Paget disease of bone and frontotemporal dementia type 1. Last evaluated: 2018-01-13. Review status: criteria provided, single submitter. Criteria: ICSL Variant Classification Criteria 13 December 2019. Collection method: clinical testing. Allele origin: germline.

Illumina Laboratory Services, Illumina
Classification: Uncertain significance for Frontotemporal dementia and/or amyotrophic lateral sclerosis 6. Last evaluated: 2018-01-13. Review status: criteria provided, single submitter. Criteria: ICSL Variant Classification Criteria 13 December 2019. Collection method: clinical testing. Allele origin: germline.